The following is an entry in ClinVar:

NM_153704.6(TMEM67):c.656T>C (p.Met219Thr)

Gene: TMEM67 (transmembrane protein 67; plus strand). Cytogenetic location: 8q22.1.
Variant type: single nucleotide variant.
Coding change: c.656T>C on transcript NM_153704.6 (MANE Select); coding-DNA position 656, T replaced by C.
Protein change: p.Met219Thr; replaces methionine 219 with threonine.
Molecular consequence: missense variant. On other transcripts: non-coding transcript variant (1).
Genome position (GRCh38, 1-based): chr8:93,772,593, T>C. VCF-style: chr8-93772593-T-C. GRCh37 (hg19) VCF-style: chr8-94784821-T-C.
Other names: c.413T>C, p.Met138Thr (NM_001142301.1); short protein forms M138T, M219T.
Identifiers: ClinVar variation 3350590 (VCV003350590.1).

ClinVar aggregate classification (germline): Uncertain significance (0 of 4 stars; one submission).

Conditions:
TMEM67-related disorder. Also called: TMEM67-related condition; TMEM67-related disorders. Identifiers: MedGen CN239423.

gnomAD v4.1: 8 of 1,611,970 alleles (0.0005%); highest among the groups gnomAD compares: Middle Eastern, 0.033%; no homozygotes.

Submission:

PreventionGenetics, part of Exact Sciences
Classification: Uncertain significance for TMEM67-related condition. Last evaluated: 2024-08-05. Review status: no assertion criteria provided. Collection method: clinical testing. Allele origin: germline.
Comment: The TMEM67 c.656T>C variant is predicted to result in the amino acid substitution p.Met219Thr. To our knowledge, this variant has not been reported in the literature. This variant is reported in 0.0018% of alleles in individuals of European (Non-Finnish) descent in gnomAD. At this time, the clinical significance of this variant is uncertain due to the absence of conclusive functional and genetic evidence.